The following is an entry in ClinVar:

ClinVar aggregate classification (germline): Likely pathogenic (1 of 4 stars; one submission).

Conditions:
Brain malformations with or without urinary tract defects. Also called: Brain malformations and urinary tract defects. Identifiers: MedGen C4478940, MONDO:0100478, OMIM 613735.

Submission:

Molecular Genetics Department, Kulakov National Medical Research Center for Obstetrics, Gynecology and Perinatology
Classification: Likely pathogenic for Brain malformations with or without urinary tract defects. Review status: criteria provided, single submitter. Criteria: ACMG Guidelines, 2015. Collection method: clinical testing. Allele origin: germline. Affected: yes. Observed: 1 variant allele.
Comment: A previously undescribed heterozygous nucleotide variant creates a frameshift p.Val126SerfsTer13 in the NFIA gene. Heterozygous variants are reported in patients with brain malformations with or without urinary tract defects, 613735. The variant is not present in population database (gnomAD no frequency). In summary, the currently available evidence indicates that the variant is pathogenic, but additional data are needed to prove that conclusively. Therefore, this variant has been classified as likely pathogenic.

NM_001134673.4(NFIA):c.375dup (p.Val126fs)

Gene: NFIA (nuclear factor I A; plus strand). Cytogenetic location: 1p31.3.
Variant type: Duplication.
Coding change: c.375dup on transcript NM_001134673.4 (MANE Select); coding-DNA position 375, one base duplicated (A; older notation c.375dupA).
Protein change: p.Val126fs; shifts the reading frame from valine 126.
Molecular consequence: frameshift variant.
Genome position (GRCh38, 1-based): chr1:61,088,496, A duplicated; the last of 3 consecutive A bases (chr1:61,088,494-61,088,496); duplicating any one gives the same sequence. VCF-style (leftmost placement, unchanged base first): chr1-61088493-T-TA. GRCh37 (hg19) VCF-style: chr1-61554165-T-TA.
Other names: c.351dup, p.Val118fs (NM_001145511.2); c.510dup, p.Val171fs (NM_001145512.2); c.375dup, p.Val126fs (NM_005595.5); short protein forms V171fs, V126fs, V118fs.
Identifiers: ClinVar variation 4294508 (VCV004294508.1).